The following is an entry in ClinVar:

NM_025074.7(FRAS1):c.2811T>G (p.Cys937Trp)

Gene: FRAS1 (Fraser extracellular matrix complex subunit 1; plus strand). Cytogenetic location: 4q21.21.
Variant type: single nucleotide variant.
Coding change: c.2811T>G on transcript NM_025074.7 (MANE Select); coding-DNA position 2811, T replaced by G.
Protein change: p.Cys937Trp; replaces cysteine 937 with tryptophan.
Molecular consequence: missense variant.
Genome position (GRCh38, 1-based): chr4:78,369,926, T>G. VCF-style: chr4-78369926-T-G. GRCh37 (hg19) VCF-style: chr4-79291080-T-G.
Other names: c.2811T>G, p.Cys937Trp (NM_001166133.2); short protein forms C937W.
Identifiers: ClinVar variation 2164558 (VCV002164558.5), dbSNP rs936338537, ClinGen allele CA357373232.
Genomic context (GRCh38, chr4:78,369,926, plus strand): 5'-TTCACAGGCCAGCTGTACCTCCTGCCGAGATCCAAACAAGGTTCTGCTCTTTGGGGAATG[T>G]CAATACGAGAGCTGCGCCCCACAGTACTATCTTGACTTCTCCACCAACACGTGCAAAGGT-3'
Protein context (NP_079350.5, residues 927-947): DPNKVLLFGE[Cys937Trp]QYESCAPQYY

ClinVar aggregate classification (germline): Uncertain significance. Review status: criteria provided, multiple submitters, no conflicts (2 of 4 stars). 2 submissions from 2 submitters: Uncertain significance (2). Last evaluated 2024-06-13.

Conditions:
Fraser syndrome 1 (FRASRS1). Also called: CRYPTOPHTHALMOS WITH OTHER MALFORMATIONS. Identifiers: Orphanet 2052, MedGen C4551480, MONDO:0054737, OMIM 219000.

gnomAD v4.1: 3 of 1,613,862 alleles (0.00019%); highest among the groups gnomAD compares: Admixed American, 0.0033%; no homozygotes.

Submissions (2):

Fulgent Genetics
Classification: Uncertain significance for Fraser syndrome 1. Last evaluated: 2024-06-13. Review status: criteria provided, single submitter. Criteria: ACMG Guidelines, 2015. Collection method: clinical testing. Allele origin: germline.

Labcorp Genetics (formerly Invitae), Labcorp
Classification: Uncertain significance. Last evaluated: 2023-05-15. Review status: criteria provided, single submitter. Criteria: Invitae Variant Classification Sherloc (09022015). Collection method: clinical testing. Allele origin: germline.
Comment: This variant has not been reported in the literature in individuals affected with FRAS1-related conditions. This sequence change replaces cysteine, which is neutral and slightly polar, with tryptophan, which is neutral and slightly polar, at codon 937 of the FRAS1 protein (p.Cys937Trp). This variant is present in population databases (no rsID available, gnomAD 0.003%). ClinVar contains an entry for this variant (Variation ID: 2164558). An algorithm developed to predict the effect of missense changes on protein structure and function (PolyPhen-2) suggests that this variant is likely to be disruptive. In summary, the available evidence is currently insufficient to determine the role of this variant in disease. Therefore, it has been classified as a Variant of Uncertain Significance.